The following is an entry in ClinVar:

ClinVar aggregate classification (germline): Likely benign. Review status: criteria provided, multiple submitters, no conflicts (2 of 4 stars). 3 submissions from 3 submitters: Likely benign (2). 1 of the submissions does not count toward it. Last evaluated 2025-01-13.

Conditions:
CHD4-related disorder. Also called: CHD4-related condition.

Allele frequency attached by ClinVar (database versions not stated): gnomAD exomes 0.00008 and 0.00018; ExAC 0.00022; 1000 Genomes Project 0.00040; 1000 Genomes Project 30x 0.00047; gnomAD 0.00056 and 0.00059; TOPMed 0.00068; ESP Exome Variant Server 0.00077.
gnomAD v4.1: 202 of 1,614,008 alleles (0.013%); highest among the groups gnomAD compares: African/African-American, 0.26%; no homozygotes.

Submissions (3):

Labcorp Genetics (formerly Invitae), Labcorp
Classification: Likely benign. Last evaluated: 2025-01-13. Review status: criteria provided, single submitter. Criteria: Invitae Variant Classification Sherloc (09022015). Collection method: clinical testing. Allele origin: germline.

Blueprint Genetics
Classification: Likely benign. Last evaluated: 2023-08-17. Review status: criteria provided, single submitter. Criteria: ACMG Guidelines, 2015. Collection method: clinical testing. Allele origin: germline.

PreventionGenetics, part of Exact Sciences
Classification: Likely benign for CHD4-related condition. Last evaluated: 2019-03-05. Review status: no assertion criteria provided. Collection method: clinical testing. Allele origin: germline. Not counted in ClinVar's aggregate classification.
Comment: This variant is classified as likely benign based on ACMG/AMP sequence variant interpretation guidelines (Richards et al. 2015 PMID: 25741868, with internal and published modifications).

NM_001273.5(CHD4):c.5229-3T>C

Genes: CHD4 (chromodomain helicase DNA binding protein 4; minus strand), CHD4-AS1 (CHD4 antisense RNA 1; plus strand). Cytogenetic location: 12p13.31.
Variant type: single nucleotide variant.
Coding change: c.5229-3T>C on transcript NM_001273.5 (MANE Select); 3 bases into the intron before coding-DNA position 5229, T replaced by C.
Molecular consequence: intron variant.
Genome position (GRCh38, 1-based): chr12:6,577,920, A>G on the plus strand (T>C on the coding strand, the complement: CHD4 is on the minus strand). VCF-style: chr12-6577920-A-G. GRCh37 (hg19) VCF-style: chr12-6687086-A-G.
Other names: c.5196-3T>C (NM_001363606.2); c.5208-3T>C (NM_001297553.2).
Identifiers: ClinVar variation 761282 (VCV000761282.12), dbSNP rs201011723, ClinGen allele CA6411269.
Genomic context (GRCh38, chr12:6,577,920, plus strand): 5'-ATTGAGGATGGCATAGCGTGGGTCATTCTGGATGTCTTGCCACCGGGCATAGCCATGGCT[A>G]TTGGAAAAGTGCTCAGGAAAAACAAAACAAGGAAAGTAAGAACCTCAAACTAAAAGACCT-3'